The following is an entry in ClinVar:

ClinVar aggregate classification (germline): Uncertain significance (1 of 4 stars; one submission).

Conditions:
Hyperphosphatasia with impaired intellectual development syndrome 2. Also called: Hyperphosphatasia with intellectual disability syndrome 2; GLYCOSYLPHOSPHATIDYLINOSITOL BIOSYNTHESIS DEFECT 6. Identifiers: Orphanet 247262, MedGen C3553637, MONDO:0013882, OMIM 614749.

Allele frequency attached by ClinVar (database versions not stated): gnomAD exomes below 0.00001 and 0.00001; ExAC 0.00001.
gnomAD v4.1: 8 of 1,611,790 alleles (0.0005%); highest among the groups gnomAD compares: South Asian, 0.0055%; no homozygotes.

Submission:

Labcorp Genetics (formerly Invitae), Labcorp
Classification: Uncertain significance for Hyperphosphatasia with impaired intellectual development syndrome 2. Last evaluated: 2024-10-14. Review status: criteria provided, single submitter. Criteria: Invitae Variant Classification Sherloc (09022015). Collection method: clinical testing. Allele origin: germline.
Comment: This sequence change replaces alanine, which is neutral and non-polar, with valine, which is neutral and non-polar, at codon 157 of the PIGO protein (p.Ala157Val). This variant is present in population databases (rs764817207, gnomAD 0.003%). This variant has not been reported in the literature in individuals affected with PIGO-related conditions. ClinVar contains an entry for this variant (Variation ID: 1001497). Invitae Evidence Modeling of protein sequence and biophysical properties (such as structural, functional, and spatial information, amino acid conservation, physicochemical variation, residue mobility, and thermodynamic stability) has been performed for this missense variant. However, the output from this modeling did not meet the statistical confidence thresholds required to predict the impact of this variant on PIGO protein function. In summary, the available evidence is currently insufficient to determine the role of this variant in disease. Therefore, it has been classified as a Variant of Uncertain Significance.

NM_032634.4(PIGO):c.470C>T (p.Ala157Val)

Gene: PIGO (phosphatidylinositol glycan anchor biosynthesis class O; minus strand). Cytogenetic location: 9p13.3.
Variant type: single nucleotide variant.
Coding change: c.470C>T on transcript NM_032634.4 (MANE Select); coding-DNA position 470, C replaced by T.
Protein change: p.Ala157Val; replaces alanine 157 with valine.
Molecular consequence: missense variant.
Genome position (GRCh38, 1-based): chr9:35,095,096, G>A on the plus strand (C>T on the coding strand, the complement: PIGO is on the minus strand). VCF-style: chr9-35095096-G-A. GRCh37 (hg19) VCF-style: chr9-35095093-G-A.
Other names: c.470C>T, p.Ala157Val (NM_001201484.2, NM_152850.4); short protein forms A157V.
Identifiers: ClinVar variation 1001497 (VCV001001497.8), dbSNP rs764817207, ClinGen allele CA5040934.